The following is an entry in ClinVar:

NM_000466.3(PEX1):c.-53C>G

Genes: PEX1 (peroxisomal biogenesis factor 1; minus strand), LOC129998796 (ATAC-STARR-seq lymphoblastoid silent region 18372; plus strand). Cytogenetic location: 7q21.2.
Variant type: single nucleotide variant.
Coding change: c.-53C>G on transcript NM_000466.3 (MANE Select); 53 bases upstream of the start codon, C replaced by G.
Molecular consequence: 5 prime UTR variant.
Genome position (GRCh38, 1-based): chr7:92,528,488, G>C on the plus strand (C>G on the coding strand, the complement: PEX1 is on the minus strand). VCF-style: chr7-92528488-G-C. GRCh37 (hg19) VCF-style: chr7-92157802-G-C.
Other names: c.-53C>G (NM_001282677.2); c.-712C>G (NM_001282678.2).
Identifiers: ClinVar variation 256216 (VCV000256216.26), dbSNP rs12386703, ClinGen allele CA10587000.

ClinVar aggregate classification (germline): Benign/Likely benign. Review status: criteria provided, multiple submitters, no conflicts (2 of 4 stars). 8 submissions from 8 submitters: Benign (5); Likely benign (2). 1 of the submissions does not count toward it. Last evaluated 2025-09-04.

Conditions:
Zellweger spectrum disorders (ZS). Also called: Zellweger syndrome; Zellweger Spectrum Disorder (ZSD); Zellweger Spectrum Disorder; Zellweger Spectrum. Identifiers: Orphanet 912, MedGen C0043459, MONDO:0019609.
Peroxisome biogenesis disorder 1A (Zellweger) (PBD1A). Also called: Peroxisome biogenesis disorder 1a; Zellweger leukodystrophy. Identifiers: MedGen C4721541, MONDO:0008953, OMIM 214100.

Allele frequency attached by ClinVar (database versions not stated): 1000 Genomes Project 0.06290; 1000 Genomes Project 30x 0.06324; TOPMed 0.07244; gnomAD 0.07687 and 0.07798; gnomAD exomes 0.07915.
gnomAD v4.1: 119,132 of 1,510,668 alleles (7.9%); highest among the groups gnomAD compares: Non-Finnish European, 8.1%; 4,983 homozygotes.

Submissions (8):

Labcorp Genetics (formerly Invitae), Labcorp
Classification: Benign for Zellweger spectrum disorders. Last evaluated: 2025-09-04. Review status: criteria provided, single submitter. Criteria: Invitae Variant Classification Sherloc (09022015). Collection method: clinical testing. Allele origin: germline.

Genome-Nilou Lab
Classification: Benign for Peroxisome biogenesis disorder 1A (Zellweger). Last evaluated: 2021-07-01. Review status: criteria provided, single submitter. Criteria: ACMG Guidelines, 2015. Collection method: clinical testing. Allele origin: germline. Affected: no.

GeneDx
Classification: Benign. Last evaluated: 2018-08-07. Review status: criteria provided, single submitter. Criteria: GeneDx Variant Classification Process June 2021. Collection method: clinical testing. Allele origin: germline. Affected: yes.
Comment: This variant is associated with the following publications: (PMID: 16088892)

Illumina Laboratory Services, Illumina
Classification: Benign for Peroxisome biogenesis disorder 1A (Zellweger). Last evaluated: 2018-03-06. Review status: criteria provided, single submitter. Criteria: ICSL Variant Classification Criteria 13 December 2019. Collection method: clinical testing. Allele origin: germline.
Comment: This variant was observed in the ICSL laboratory as part of a predisposition screen in an ostensibly healthy population. It had not been previously curated by ICSL or reported in the Human Gene Mutation Database (HGMD: prior to June 1st, 2018), and was therefore a candidate for classification through an automated scoring system. Utilizing variant allele frequency, disease prevalence and penetrance estimates, and inheritance mode, an automated score was calculated to assess if this variant is too frequent to cause the disease. Based on the score and internal cut-off values, a variant classified as benign is not then subjected to further curation. The score for this variant resulted in a classification of benign for this disease.

Eurofins Ntd Llc (ga)
Classification: Benign. Last evaluated: 2017-07-19. Review status: criteria provided, single submitter. Criteria: EGL Classification Definitions 2015. Collection method: clinical testing. Allele origin: germline.

Breakthrough Genomics
Classification: Likely benign. Review status: criteria provided, single submitter. Criteria: ACMG Guidelines, 2015. Collection method: not provided. Allele origin: germline. Inheritance: Autosomal recessive inheritance. Affected: yes.

PreventionGenetics, part of Exact Sciences
Classification: Likely benign. Review status: criteria provided, single submitter. Criteria: ACMG Guidelines, 2015. Collection method: clinical testing. Allele origin: germline.

Natera, Inc.
Classification: Benign for Zellweger syndrome. Last evaluated: 2020-09-16. Review status: no assertion criteria provided. Collection method: clinical testing. Allele origin: germline. Not counted in ClinVar's aggregate classification.